The following is an entry in ClinVar:

NM_144997.7(FLCN):c.*356G>T

Gene: FLCN (folliculin; minus strand). Cytogenetic location: 17p11.2.
Variant type: single nucleotide variant.
Coding change: c.*356G>T on transcript NM_144997.7 (MANE Select); 356 bases downstream of the stop codon, G replaced by T.
Molecular consequence: 3 prime UTR variant.
Genome position (GRCh38, 1-based): chr17:17,213,299, C>A on the plus strand (G>T on the coding strand, the complement: FLCN is on the minus strand). VCF-style: chr17-17213299-C-A. GRCh37 (hg19) VCF-style: chr17-17116613-C-A.
Other names: c.*356G>T (NM_001353229.2, NM_001353230.2, NM_001353231.2 and 1 more transcripts).
Identifiers: ClinVar variation 322055 (VCV000322055.7), dbSNP rs7224474, ClinGen allele CA10648696.

ClinVar aggregate classification (germline): Benign. Review status: criteria provided, multiple submitters, no conflicts (2 of 4 stars). 4 submissions from 3 submitters: Benign (4). Last evaluated 2021-05-12.

Conditions:
Familial spontaneous pneumothorax (PSP). Identifiers: Orphanet 2903, MedGen C1868193, MONDO:0008259, OMIM 173600.
Birt-Hogg-Dube syndrome. Also called: Birt Hogg Dubé syndrome. Identifiers: Orphanet 122, MedGen C0346010, MONDO:0800444.

Allele frequency attached by ClinVar (database versions not stated): gnomAD 0.09138; TOPMed 0.10124; 1000 Genomes Project 0.12620; 1000 Genomes Project 30x 0.13054.
gnomAD v4.1: 20,640 of 454,662 alleles (4.5%); highest among the groups gnomAD compares: African/African-American, 32%; 2,734 homozygotes.

Submissions (4):

GeneDx
Classification: Benign. Last evaluated: 2021-05-12. Review status: criteria provided, single submitter. Criteria: GeneDx Variant Classification Process June 2021. Collection method: clinical testing. Allele origin: germline. Affected: yes.

Illumina Laboratory Services, Illumina
Classification: Benign for Familial spontaneous pneumothorax. Last evaluated: 2018-01-13. Review status: criteria provided, single submitter. Criteria: ICSL Variant Classification Criteria 13 December 2019. Collection method: clinical testing. Allele origin: germline.
Comment: This variant was observed in the ICSL laboratory as part of a predisposition screen in an ostensibly healthy population. It had not been previously curated by ICSL or reported in the Human Gene Mutation Database (HGMD: prior to June 1st, 2018), and was therefore a candidate for classification through an automated scoring system. Utilizing variant allele frequency, disease prevalence and penetrance estimates, and inheritance mode, an automated score was calculated to assess if this variant is too frequent to cause the disease. Based on the score and internal cut-off values, a variant classified as benign is not then subjected to further curation. The score for this variant resulted in a classification of benign for this disease.

Illumina Laboratory Services, Illumina
Classification: Benign for Birt-Hogg-Dube syndrome 1. Last evaluated: 2018-01-13. Review status: criteria provided, single submitter. Criteria: ICSL Variant Classification Criteria 13 December 2019. Collection method: clinical testing. Allele origin: germline.
Comment: the same text as in the submission from Illumina Laboratory Services, Illumina above.

Breakthrough Genomics
Classification: Benign. Review status: criteria provided, single submitter. Criteria: ACMG Guidelines, 2015. Collection method: not provided. Allele origin: germline. Inheritance: Autosomal dominant inheritance. Affected: yes.